The following is an entry in ClinVar:

NM_001040142.2(SCN2A):c.5719G>A (p.Val1907Met)

Gene: SCN2A (sodium voltage-gated channel alpha subunit 2; plus strand). Cytogenetic location: 2q24.3.
Variant type: single nucleotide variant.
Coding change: c.5719G>A on transcript NM_001040142.2 (MANE Select); coding-DNA position 5719, G replaced by A.
Protein change: p.Val1907Met; replaces valine 1907 with methionine.
Molecular consequence: missense variant.
Genome position (GRCh38, 1-based): chr2:165,389,525, G>A. VCF-style: chr2-165389525-G-A. GRCh37 (hg19) VCF-style: chr2-166246035-G-A.
Other names: c.5719G>A, p.Val1907Met (NM_001040143.2, NM_001371246.1, NM_001371247.1 and 1 more transcripts); short protein forms V1907M.
Identifiers: ClinVar variation 3252526 (VCV003252526.1), dbSNP rs1229282084.

ClinVar aggregate classification (germline): Uncertain significance (1 of 4 stars; one submission).

Allele frequency attached by ClinVar (database versions not stated): gnomAD exomes below 0.00001; TOPMed below 0.00001; gnomAD 0.00001.
gnomAD v4.1: 2 of 1,613,800 alleles (0.00012%); highest among the groups gnomAD compares: African/African-American, 0.0013%; no homozygotes.

Submission:

GeneDx
Classification: Uncertain significance. Last evaluated: 2024-04-16. Review status: criteria provided, single submitter. Criteria: GeneDx Variant Classification Process June 2021. Collection method: clinical testing. Allele origin: germline. Affected: yes.
Comment: Not observed at significant frequency in large population cohorts (gnomAD); In silico analysis indicates that this missense variant does not alter protein structure/function; This substitution is predicted to be within the C-terminal cytoplasmic domain; Has not been previously published as pathogenic or benign to our knowledge; This variant is associated with the following publications: (PMID: 37745463)